The following is an entry in ClinVar:

ClinVar aggregate classification (germline): Uncertain significance (1 of 4 stars; one submission).

Conditions:
Cardiovascular phenotype. Identifiers: MedGen CN230736.

Allele frequency attached by ClinVar (database versions not stated): TOPMed below 0.00001; gnomAD 0.00001.
gnomAD v4.1: 6 of 1,613,772 alleles (0.00037%); highest among the groups gnomAD compares: Non-Finnish European, 0.00051%; no homozygotes.

Submission:

Ambry Genetics
Classification: Uncertain significance for Cardiovascular phenotype. Last evaluated: 2022-02-04. Review status: criteria provided, single submitter. Criteria: Ambry Variant Classification Scheme 2023. Collection method: clinical testing. Allele origin: germline.
Comment: The p.I291K variant (also known as c.872T>A), located in coding exon 1 of the MYPN gene, results from a T to A substitution at nucleotide position 872. The isoleucine at codon 291 is replaced by lysine, an amino acid with dissimilar properties. This amino acid position is conserved. In addition, the in silico prediction for this alteration is inconclusive. Since supporting evidence is limited at this time, the clinical significance of this alteration remains unclear.

NM_032578.4(MYPN):c.872T>A (p.Ile291Lys)

Gene: MYPN (myopalladin; plus strand). Cytogenetic location: 10q21.3.
Variant type: single nucleotide variant.
Coding change: c.872T>A on transcript NM_032578.4 (MANE Select); coding-DNA position 872, T replaced by A.
Protein change: p.Ile291Lys; replaces isoleucine 291 with lysine.
Molecular consequence: missense variant. On other transcripts: 5 prime UTR variant (1), non-coding transcript variant (1).
Genome position (GRCh38, 1-based): chr10:68,122,310, T>A. VCF-style: chr10-68122310-T-A. GRCh37 (hg19) VCF-style: chr10-69882067-T-A.
Other names: c.872T>A, p.Ile291Lys (NM_001256267.2); c.-251T>A (NM_001256268.2); short protein forms I291K.
Identifiers: ClinVar variation 1764475 (VCV001764475.2), dbSNP rs1214537883, ClinGen allele CA377105280.